The following is an entry in ClinVar:

NM_006245.4(PPP2R5D):c.1642A>C (p.Lys548Gln)

Gene: PPP2R5D (protein phosphatase 2 regulatory subunit B'delta; plus strand). Cytogenetic location: 6p21.1.
Variant type: single nucleotide variant.
Coding change: c.1642A>C on transcript NM_006245.4 (MANE Select); coding-DNA position 1642, A replaced by C.
Protein change: p.Lys548Gln; replaces lysine 548 with glutamine.
Molecular consequence: missense variant.
Genome position (GRCh38, 1-based): chr6:43,010,968, A>C. VCF-style: chr6-43010968-A-C. GRCh37 (hg19) VCF-style: chr6-42978706-A-C.
Other names: c.1189A>C, p.Lys397Gln (NM_001270476.2); c.1546A>C, p.Lys516Gln (NM_180976.3); c.1324A>C, p.Lys442Gln (NM_180977.3); short protein forms K397Q, K442Q, K516Q, K548Q.
Identifiers: ClinVar variation 3371915 (VCV003371915.2).

ClinVar aggregate classification (germline): Uncertain significance (1 of 4 stars; one submission).

Submission:

GeneDx
Classification: Uncertain significance. Last evaluated: 2025-11-14. Review status: criteria provided, single submitter. Criteria: GeneDx Variant Classification Process June 2021. Collection method: clinical testing. Allele origin: germline. Affected: yes.
Comment: Not observed at significant frequency in large population cohorts (gnomAD); In silico analysis suggests that this missense variant does not alter protein structure/function; Has not been previously published as pathogenic or benign to our knowledge